The following is an entry in ClinVar:

ClinVar aggregate classification (germline): Likely benign. Review status: criteria provided, multiple submitters, no conflicts (2 of 4 stars). 3 submissions from 3 submitters: Likely benign (2). 1 of the submissions does not count toward it. Last evaluated 2025-12-10.

Conditions:
Mitochondrial hypertrophic cardiomyopathy with lactic acidosis due to MTO1 deficiency. Also called: CARDIOMYOPATHY, INFANTILE HYPERTROPHIC MITOCHONDRIAL, AND LACTIC ACIDOSIS; Combined oxidative phosphorylation deficiency 10. Identifiers: Orphanet 314637, MedGen C4749921, MONDO:0013865, OMIM 614702.
MTO1-related disorder. Also called: MTO1-related condition.

Allele frequency attached by ClinVar (database versions not stated): TOPMed 0.00001; gnomAD 0.00002.
gnomAD v4.1: 109 of 1,613,038 alleles (0.0068%); highest among the groups gnomAD compares: Non-Finnish European, 0.009%; no homozygotes.

Submissions (3):

Labcorp Genetics (formerly Invitae), Labcorp
Classification: Likely benign for Mitochondrial hypertrophic cardiomyopathy with lactic acidosis due to MTO1 deficiency. Last evaluated: 2025-12-10. Review status: criteria provided, single submitter. Criteria: Invitae Variant Classification Sherloc (09022015). Collection method: clinical testing. Allele origin: germline.

Blueprint Genetics
Classification: Likely benign. Last evaluated: 2022-04-29. Review status: criteria provided, single submitter. Criteria: ACMG Guidelines, 2015. Collection method: clinical testing. Allele origin: germline.

PreventionGenetics, part of Exact Sciences
Classification: Likely benign for MTO1-related condition. Last evaluated: 2019-12-24. Review status: no assertion criteria provided. Collection method: clinical testing. Allele origin: germline. Not counted in ClinVar's aggregate classification.
Comment: This variant is classified as likely benign based on ACMG/AMP sequence variant interpretation guidelines (Richards et al. 2015 PMID: 25741868, with internal and published modifications).

NM_012123.4(MTO1):c.969G>A (p.Leu323=)

Gene: MTO1 (mitochondrial tRNA translation optimization 1; plus strand). Cytogenetic location: 6q13.
Variant type: single nucleotide variant.
Coding change: c.969G>A on transcript NM_012123.4 (MANE Select); coding-DNA position 969, G replaced by A.
Protein change: p.Leu323=; no amino-acid change (leucine 323 retained).
Molecular consequence: synonymous variant.
Genome position (GRCh38, 1-based): chr6:73,479,966, G>A. VCF-style: chr6-73479966-G-A. GRCh37 (hg19) VCF-style: chr6-74189689-G-A.
Other names: c.969G>A, p.Leu323= (NM_001123226.2, NM_133645.3); c.969G>A (NM_012123.3).
Identifiers: ClinVar variation 1626041 (VCV001626041.11), dbSNP rs752977187, ClinGen allele CA140961124.
Genomic context (GRCh38, chr6:73,479,966, plus strand): 5'-TTTCAAGTTTATTTAAATGTTCTATTCTAGATACTGTCCCTCCATTGAATCAAAAGTTTT[G>A]CGTTTTCCAAACCGTCTACATCAGGTTTGGTTGGAACCTGAAGGAATGGATTCTGACCTT-3'
Protein context (NP_036255.2, residues 313-333): RYCPSIESKV[Leu323=]RFPNRLHQVW